The following is an entry in ClinVar:

ClinVar aggregate classification (germline): Pathogenic (1 of 4 stars; one submission).

Conditions:
Hereditary cancer-predisposing syndrome. Also called: Tumor predisposition; Neoplastic Syndromes, Hereditary; Hereditary Cancer Syndrome; Hereditary neoplastic syndrome. Identifiers: Orphanet 140162, MedGen C0027672, MeSH D009386, MONDO:0015356.

Submission:

Ambry Genetics
Classification: Pathogenic for Hereditary cancer-predisposing syndrome. Last evaluated: 2025-07-01. Review status: criteria provided, single submitter. Criteria: Ambry Variant Classification Scheme 2023. Collection method: clinical testing. Allele origin: germline.
Comment: The c.1131_1132delCTinsA pathogenic mutation, located in coding exon 7 of the CTNNA1 gene, results from the deletion of two nucleotides and insertion of one nucleotide causing a translational frameshift with a predicted alternate stop codon (p.D377Efs*28). This variant is considered to be rare based on population cohorts in the Genome Aggregation Database (gnomAD). This alteration is expected to result in loss of function by premature protein truncation or nonsense-mediated mRNA decay. As such, this alteration is interpreted as a disease-causing mutation.

NM_001903.5(CTNNA1):c.1131_1132delinsA (p.Asp377fs)

Gene: CTNNA1 (catenin alpha 1; plus strand). Cytogenetic location: 5q31.2.
Variant type: Indel.
Coding change: c.1131_1132delinsA on transcript NM_001903.5 (MANE Select); coding-DNA positions 1131 to 1132, CT replaced by A.
Protein change: p.Asp377fs; shifts the reading frame from aspartic acid 377.
Molecular consequence: frameshift variant. On other transcripts: 5 prime UTR variant (5), intron variant (2).
Genome position (GRCh38, 1-based): chr5:138,886,280-138,886,281, CT replaced by A. VCF-style: chr5-138886280-CT-A. GRCh37 (hg19) VCF-style: chr5-138221969-CT-A.
Other names: c.1131_1132delinsA, p.Asp377fs (NM_001290307.3, NM_001323982.2, NM_001323983.1 and 3 more transcripts); c.822_823delinsA, p.Asp274fs (NM_001290309.3); c.762_763delinsA, p.Asp254fs (NM_001290310.3); c.21_22delinsA, p.Asp7fs (NM_001290312.1, NM_001323987.1, NM_001323988.1 and 18 more transcripts); c.-377_-376delinsA (NM_001324006.1, NM_001324007.1, NM_001324008.1 and 1 more transcripts); c.-252_-251delinsA (NM_001324013.1); c.-58+10683_-58+10684delinsA (NM_001324012.1); c.-61+10683_-61+10684delinsA (NM_001324010.1); short protein forms D377fs, D7fs, D254fs, D274fs.
Identifiers: ClinVar variation 3498235 (VCV003498235.2).